The following is an entry in ClinVar:

ClinVar aggregate classification (germline): Uncertain significance (1 of 4 stars; one submission).

Conditions:
Developmental and epileptic encephalopathy, 36 (DEE36). Also called: Congenital disorder of glycosylation, type Is; ALG13-CDG; Epileptic encephalopathy, early infantile, 36. Identifiers: Orphanet 324422, MedGen C4317295, MONDO:0010472, OMIM 300884.

Submission:

Labcorp Genetics (formerly Invitae), Labcorp
Classification: Uncertain significance for Developmental and epileptic encephalopathy, 36. Last evaluated: 2025-10-17. Review status: criteria provided, single submitter. Criteria: Invitae Variant Classification Sherloc (09022015). Collection method: clinical testing. Allele origin: germline.
Comment: This variant, c.2797_2798insGACCAC, results in the insertion of 2 amino acid(s) of the ALG13 protein (p.Pro932_Pro933insArgPro), but otherwise preserves the integrity of the reading frame. This variant is not present in population databases (gnomAD no frequency). This variant has not been reported in the literature in individuals affected with ALG13-related conditions. In summary, the available evidence is currently insufficient to determine the role of this variant in disease. Therefore, it has been classified as a Variant of Uncertain Significance.

NM_001099922.3(ALG13):c.2797_2798insGACCAC (p.Pro932_Pro933insArgPro)

Gene: ALG13 (ALG13 UDP-N-acetylglucosaminyltransferase subunit; plus strand). Cytogenetic location: Xq23.
Variant type: Insertion.
Coding change: c.2797_2798insGACCAC on transcript NM_001099922.3 (MANE Select); coding-DNA positions 2797 to 2798, GACCAC inserted.
Protein change: p.Pro932_Pro933insArgPro.
Molecular consequence: inframe insertion. On other transcripts: intron variant (5).
Genome position: GRCh38 VCF-style: chrX-111744764-C-CACCACG. GRCh37 (hg19) VCF-style: chrX-110987992-C-CACCACG.
Other names: c.2563_2564insGACCAC, p.Pro854_Pro855insArgPro (NM_001257231.2); c.2383+7890_2383+7891insGACCAC (NM_001257237.2, NM_001257234.2, NM_001257230.2); c.2209+7890_2209+7891insGACCAC (NM_001324293.1); c.2695+7890_2695+7891insGACCAC (NM_001324292.2).
Identifiers: ClinVar variation 4729383 (VCV004729383.1).
Genomic context (GRCh38, chrX:111,744,764, plus strand): 5'-TTCCTCATGCTGGTGCCTCTCTACCACCACCACCACCACCACCACCACCACCACCACCAC[C>CACCACG]ACCACCTCCTCCTCCTCCTCCTCCTCCTCCTCCTCCTCCTCCTGCTCTTGATGTGGGAGA-3'